The following is an entry in ClinVar:

ClinVar aggregate classification (germline): Uncertain significance (1 of 4 stars; one submission).

Conditions:
Acrocallosal syndrome (ACLS). Also called: HALLUX DUPLICATION, POSTAXIAL POLYDACTYLY, AND ABSENCE OF CORPUS CALLOSUM; Schinzel syndrome 1; Absence of corpus callosum with unusual facial appearance, mental deficiency, duplication of the halluces and polydactyly. Identifiers: Orphanet 36, MedGen C0796147, MONDO:0008708, OMIM 200990.

Submission:

Labcorp Genetics (formerly Invitae), Labcorp
Classification: Uncertain significance for Acrocallosal syndrome. Last evaluated: 2021-10-04. Review status: criteria provided, single submitter. Criteria: Invitae Variant Classification Sherloc (09022015). Collection method: clinical testing. Allele origin: germline.
Comment: Experimental studies and prediction algorithms are not available or were not evaluated, and the functional significance of this variant is currently unknown. This variant has not been reported in the literature in individuals affected with KIF7-related conditions. The frequency data for this variant in the population databases is considered unreliable, as metrics indicate insufficient coverage at this position in the ExAC database. This variant, c.1101_1102delinsCG, is a complex sequence change that results in the deletion of 2 and insertion of 2 amino acid(s) in the KIF7 protein (p.Glu367_Thr368delinsAspAla). In summary, the available evidence is currently insufficient to determine the role of this variant in disease. Therefore, it has been classified as a Variant of Uncertain Significance.

NM_198525.3(KIF7):c.1101_1102delinsCG (p.Glu367_Thr368delinsAspAla)

Gene: KIF7 (kinesin family member 7; minus strand). Cytogenetic location: 15q26.1.
Variant type: Indel.
Coding change: c.1101_1102delinsCG on transcript NM_198525.3 (MANE Select); coding-DNA positions 1101 to 1102, GA replaced by CG.
Protein change: p.Glu367_Thr368delinsAspAla.
Molecular consequence: missense variant.
Genome position (GRCh38, 1-based): chr15:89,648,596-89,648,597, TC replaced by CG on the plus strand (GA replaced by CG on the coding strand, the reverse complement: KIF7 is on the minus strand). VCF-style: chr15-89648596-TC-CG. GRCh37 (hg19) VCF-style: chr15-90191827-TC-CG.
Identifiers: ClinVar variation 1400807 (VCV001400807.6), dbSNP rs2142029100, ClinGen allele CA2573151281.